The following is an entry in ClinVar:

ClinVar aggregate classification (germline): Uncertain significance (1 of 4 stars; one submission).

Submission:

GeneDx
Classification: Uncertain significance. Last evaluated: 2023-05-22. Review status: criteria provided, single submitter. Criteria: GeneDx Variant Classification Process June 2021. Collection method: clinical testing. Allele origin: germline. Affected: yes.
Comment: Frameshift variant predicted to result in protein elongation, as the last 9 amino acids are replaced with 143 different amino acids; Not observed at significant frequency in large population cohorts (gnomAD); Has not been previously published as pathogenic or benign to our knowledge

NM_032108.4(SEMA6B):c.2638dup (p.Ala880fs)

Gene: SEMA6B (semaphorin 6B; minus strand). Cytogenetic location: 19p13.3.
Variant type: Duplication.
Coding change: c.2638dup on transcript NM_032108.4 (MANE Select); coding-DNA position 2638, one base duplicated (G; older notation c.2638dupG).
Protein change: p.Ala880fs; shifts the reading frame from alanine 880.
Molecular consequence: frameshift variant.
Genome position (GRCh38, 1-based): chr19:4,543,630, C duplicated on the plus strand (G on the coding strand, the reverse complement: SEMA6B is on the minus strand); the first of 7 consecutive C bases (chr19:4,543,630-4,543,636); duplicating any one gives the same sequence. VCF-style (leftmost placement, unchanged base first): chr19-4543629-G-GC. GRCh37 (hg19) VCF-style: chr19-4543641-G-GC.
Other names: short protein forms A880fs.
Identifiers: ClinVar variation 3343782 (VCV003343782.1).